The following is an entry in ClinVar:

NC_000007.14:g.(?_55019062)_(55019375_?)dup

Gene: EGFR (epidermal growth factor receptor; plus strand). Cytogenetic location: 7p11.2.
Variant type: Duplication.
Identifiers: ClinVar variation 832531 (VCV000832531.2).

ClinVar aggregate classification (germline): Uncertain significance (1 of 4 stars; one submission).

Conditions:
EGFR-related lung cancer (EGFR). Identifiers: MedGen CN130014.

Submission:

Labcorp Genetics (formerly Invitae), Labcorp
Classification: Uncertain significance for EGFR-related lung cancer. Last evaluated: 2022-08-10. Review status: criteria provided, single submitter. Criteria: Invitae Variant Classification Sherloc (09022015). Collection method: clinical testing. Allele origin: germline.
Comment: This variant results in a copy number gain of the genomic region encompassing exon(s) 1 of the EGFR gene. This region includes the initiator codon of the gene. This copy number gain extends beyond the assayed region for this gene and therefore may encompass additional genes. As the precise location of this event is unknown, it may be in tandem or it may be located elsewhere in the genome. This variant has not been reported in the literature in individuals affected with EGFR-related conditions. Experimental studies and prediction algorithms are not available or were not evaluated, and the functional significance of this variant is currently unknown. In summary, the available evidence is currently insufficient to determine the role of this variant in disease. Therefore, it has been classified as a Variant of Uncertain Significance.